The following is an entry in ClinVar:

NM_017514.5(PLXNA3):c.2785G>A (p.Val929Ile)

Gene: PLXNA3 (plexin A3; plus strand). Cytogenetic location: Xq28.
Variant type: single nucleotide variant.
Coding change: c.2785G>A on transcript NM_017514.5 (MANE Select); coding-DNA position 2785, G replaced by A.
Protein change: p.Val929Ile; replaces valine 929 with isoleucine.
Molecular consequence: missense variant.
Genome position (GRCh38, 1-based): chrX:154,466,256, G>A. VCF-style: chrX-154466256-G-A. GRCh37 (hg19) VCF-style: chrX-153694599-G-A.
Other names: short protein forms V929I.
Identifiers: ClinVar variation 3934810 (VCV003934810.2).
Genomic context (GRCh38, chrX:154,466,256, plus strand): 5'-GGGCCCGTGGAGCTGTGTGTGGGTGACTGTTCAGCCGACTTCCGCACGCAGTCGGAGCAG[G>A]TCTACAGCTTTGTGGTGCGTGGCTGCCGGCCCTACCCCTTCCTGTCCCTTCTCTCTCCCG-3'
Protein context (NP_059984.3, residues 919-939): SADFRTQSEQ[Val929Ile]YSFVTPTFDQ

ClinVar aggregate classification (germline): Uncertain significance. Review status: criteria provided, multiple submitters, no conflicts (2 of 4 stars). 2 submissions from 2 submitters: Uncertain significance (2). Last evaluated 2025-07-31.

Conditions:
PLXNA3-related disorder. Also called: PLXNA3-related condition.

Submissions (2):

PreventionGenetics, part of Exact Sciences
Classification: Uncertain significance for PLXNA3-related condition. Last evaluated: 2025-07-31. Review status: criteria provided, single submitter. Criteria: ACMG Guidelines, 2015. Collection method: clinical testing. Allele origin: germline.
Comment: The PLXNA3 c.2785G>A variant is predicted to result in the amino acid substitution p.Val929Ile. To our knowledge, this variant has not been reported in the literature. This variant is reported in 0.0076% of alleles in individuals of African descent in gnomAD. At this time, the clinical significance of this variant is uncertain due to the absence of conclusive functional and genetic evidence.

Ambry Genetics
Classification: Uncertain significance. Last evaluated: 2025-05-15. Review status: criteria provided, single submitter. Criteria: Ambry Variant Classification Scheme 2023. Collection method: clinical testing. Allele origin: germline.